The following is an entry in ClinVar:

ClinVar aggregate classification (germline): Uncertain significance (1 of 4 stars; one submission).

Submission:

GeneDx
Classification: Uncertain significance. Last evaluated: 2025-05-08. Review status: criteria provided, single submitter. Criteria: GeneDx Variant Classification Process June 2021. Collection method: clinical testing. Allele origin: germline. Affected: yes.
Comment: Not observed at significant frequency in large population cohorts (gnomAD); In silico analysis suggests that this missense variant does not alter protein structure/function; Has not been previously published as pathogenic or benign to our knowledge

NM_015335.5(MED13L):c.1640C>T (p.Ser547Leu)

Gene: MED13L (mediator complex subunit 13L; minus strand). Cytogenetic location: 12q24.21.
Variant type: single nucleotide variant.
Coding change: c.1640C>T on transcript NM_015335.5 (MANE Select); coding-DNA position 1640, C replaced by T.
Protein change: p.Ser547Leu; replaces serine 547 with leucine.
Molecular consequence: missense variant.
Genome position (GRCh38, 1-based): chr12:116,008,773, G>A on the plus strand (C>T on the coding strand, the complement: MED13L is on the minus strand). VCF-style: chr12-116008773-G-A. GRCh37 (hg19) VCF-style: chr12-116446578-G-A.
Other names: short protein forms S547L.
Identifiers: ClinVar variation 4526915 (VCV004526915.1).